The following is an entry in ClinVar:

ClinVar aggregate classification (germline): Uncertain significance (1 of 4 stars; one submission).

Conditions:
Tuberous sclerosis 2 (TSC2). Identifiers: Orphanet 805, MedGen C1860707, MONDO:0013199, OMIM 613254.

Submission:

Labcorp Genetics (formerly Invitae), Labcorp
Classification: Uncertain significance for Tuberous sclerosis 2. Last evaluated: 2025-01-17. Review status: criteria provided, single submitter. Criteria: Invitae Variant Classification Sherloc (09022015). Collection method: clinical testing. Allele origin: germline.
Comment: This sequence change replaces arginine, which is basic and polar, with glycine, which is neutral and non-polar, at codon 93 of the TSC2 protein (p.Arg93Gly). This variant is not present in population databases (gnomAD no frequency). This variant has not been reported in the literature in individuals affected with TSC2-related conditions. Invitae Evidence Modeling of protein sequence and biophysical properties (such as structural, functional, and spatial information, amino acid conservation, physicochemical variation, residue mobility, and thermodynamic stability) indicates that this missense variant is not expected to disrupt TSC2 protein function with a negative predictive value of 95%. In summary, the available evidence is currently insufficient to determine the role of this variant in disease. Therefore, it has been classified as a Variant of Uncertain Significance.

NM_000548.5(TSC2):c.277C>G (p.Arg93Gly)

Gene: TSC2 (TSC complex subunit 2; plus strand). Cytogenetic location: 16p13.3.
Variant type: single nucleotide variant.
Coding change: c.277C>G on transcript NM_000548.5 (MANE Select); coding-DNA position 277, C replaced by G.
Protein change: p.Arg93Gly; replaces arginine 93 with glycine.
Molecular consequence: missense variant. On other transcripts: 5 prime UTR variant (14), non-coding transcript variant (5), intron variant (9).
Genome position (GRCh38, 1-based): chr16:2,053,393, C>G. VCF-style: chr16-2053393-C-G. GRCh37 (hg19) VCF-style: chr16-2103394-C-G.
Other names: c.277C>G, p.Arg93Gly (NM_001077183.3, NM_001114382.3, NM_001363528.2 and 10 more transcripts); c.130C>G, p.Arg44Gly (NM_001318829.2, NM_001406675.1, NM_001406676.1 and 2 more transcripts); c.310C>G, p.Arg104Gly (NM_001318832.2); c.-540C>G (NM_001406680.1, NM_001406683.1, NM_001406687.1); c.-169C>G (NM_001406681.1); c.-1155C>G (NM_001406689.1, NM_001406690.1, NM_001406691.1 and 2 more transcripts); c.-1461C>G (NM_001406693.1); c.-1036C>G (NM_001406694.1, NM_001406695.1); and 4 more; short protein forms R44G, R93G, R104G.
Identifiers: ClinVar variation 3637172 (VCV003637172.2).